The following is an entry in ClinVar:

ClinVar aggregate classification (germline): Likely benign (1 of 4 stars; one submission).

Conditions:
TAPT1-related disorder. Also called: TAPT1-related condition.

Submission:

PreventionGenetics, part of Exact Sciences
Classification: Likely benign for TAPT1-related condition. Last evaluated: 2024-10-03. Review status: criteria provided, single submitter. Criteria: ACMG Guidelines, 2015. Collection method: clinical testing. Allele origin: germline.
Comment: This variant is classified as likely benign based on ACMG/AMP sequence variant interpretation guidelines (Richards et al. 2015 PMID: 25741868, with internal and published modifications).

NM_153365.3(TAPT1):c.684T>G (p.Pro228=)

Gene: TAPT1 (transmembrane anterior posterior transformation 1; minus strand). Cytogenetic location: 4p15.32.
Variant type: single nucleotide variant.
Coding change: c.684T>G on transcript NM_153365.3 (MANE Select); coding-DNA position 684, T replaced by G.
Protein change: p.Pro228=; no amino-acid change (proline 228 retained).
Molecular consequence: synonymous variant.
Genome position (GRCh38, 1-based): chr4:16,188,284, A>C on the plus strand (T>G on the coding strand, the complement: TAPT1 is on the minus strand). VCF-style: chr4-16188284-A-C. GRCh37 (hg19) VCF-style: chr4-16189907-A-C.
Identifiers: ClinVar variation 4997944 (VCV004997944.1).